The following is an entry in ClinVar:

ClinVar aggregate classification (germline): Pathogenic (1 of 4 stars; one submission).

Conditions:
Charcot-Marie-Tooth disease, type I (CMT1). Also called: Charcot-Marie-Tooth, Type 1; Charcot-Marie-Tooth disease type 1. Identifiers: Orphanet 65753, MedGen C0751036, MONDO:0019011.

Submission:

Labcorp Genetics (formerly Invitae), Labcorp
Classification: Pathogenic for Charcot-Marie-Tooth disease, type I. Last evaluated: 2023-12-19. Review status: criteria provided, single submitter. Criteria: Invitae Variant Classification Sherloc (09022015). Collection method: clinical testing. Allele origin: germline.
Comment: This sequence change results in a frameshift in the PMP22 gene (p.Leu82Profs*141). While this is not anticipated to result in nonsense mediated decay, it is expected to disrupt the last 79 amino acid(s) of the PMP22 protein and extend the protein by 61 additional amino acid residues. This variant is not present in population databases (gnomAD no frequency). This variant has not been reported in the literature in individuals affected with PMP22-related conditions. This variant disrupts a region of the PMP22 protein in which other variant(s) (p.Gly150Val) have been determined to be pathogenic (PMID: 28600779, 32719652). This suggests that this is a clinically significant region of the protein, and that variants that disrupt it are likely to be disease-causing. For these reasons, this variant has been classified as Pathogenic.

Literature cited by the submitters: PubMed 28600779; PubMed 32719652.

NM_000304.4(PMP22):c.244dup (p.Leu82fs)

Gene: PMP22 (peripheral myelin protein 22; minus strand). Cytogenetic location: 17p12.
Variant type: Duplication.
Coding change: c.244dup on transcript NM_000304.4 (MANE Select); coding-DNA position 244, one base duplicated (C; older notation c.244dupC).
Protein change: p.Leu82fs; shifts the reading frame from leucine 82.
Molecular consequence: frameshift variant. On other transcripts: non-coding transcript variant (2).
Genome position (GRCh38, 1-based): chr17:15,239,546, G duplicated on the plus strand (C on the coding strand, the reverse complement: PMP22 is on the minus strand); the first of 2 consecutive G bases (chr17:15,239,546-15,239,547); duplicating either gives the same sequence. VCF-style (leftmost placement, unchanged base first): chr17-15239545-A-AG. GRCh37 (hg19) VCF-style: chr17-15142862-A-AG.
Other names: c.244dup, p.Leu82fs (NM_001281455.2, NM_001281456.2, NM_001330143.2 and 2 more transcripts); short protein forms L82fs.
Identifiers: ClinVar variation 2704103 (VCV002704103.3), dbSNP rs2508077811, ClinGen allele CA2697559436.